The following is an entry in ClinVar:

NM_001365999.1(SZT2):c.5075C>T (p.Thr1692Ile)

Gene: SZT2 (SZT2 subunit of KICSTOR complex; plus strand). Cytogenetic location: 1p34.2.
Variant type: single nucleotide variant.
Coding change: c.5075C>T on transcript NM_001365999.1 (MANE Select); coding-DNA position 5075, C replaced by T.
Protein change: p.Thr1692Ile; replaces threonine 1692 with isoleucine.
Molecular consequence: missense variant.
Genome position (GRCh38, 1-based): chr1:43,431,510, C>T. VCF-style: chr1-43431510-C-T. GRCh37 (hg19) VCF-style: chr1-43897181-C-T.
Other names: c.4904C>T, p.Thr1635Ile (NM_015284.4); short protein forms T1635I, T1692I.
Identifiers: ClinVar variation 416969 (VCV000416969.43), dbSNP rs149831634, ClinGen allele CA809462.

ClinVar aggregate classification (germline): Benign/Likely benign. Review status: criteria provided, multiple submitters, no conflicts (2 of 4 stars). 7 submissions from 7 submitters: Benign (1); Likely benign (6). Last evaluated 2026-05-01.

Conditions:
Inborn genetic diseases. Identifiers: MedGen C0950123, MeSH D030342.
Developmental and epileptic encephalopathy, 18 (DEE18). Also called: Early infantile epileptic encephalopathy 18. Identifiers: Orphanet 369894, MedGen C3809624, MONDO:0014201, OMIM 615476.

Allele frequency attached by ClinVar (database versions not stated): 1000 Genomes Project 0.00060; 1000 Genomes Project 30x 0.00062; TOPMed 0.00076; ESP Exome Variant Server 0.00108; gnomAD 0.00427.
gnomAD v4.1: 2,215 of 1,614,166 alleles (0.14%); highest among the groups gnomAD compares: Non-Finnish European, 0.11%; 8 homozygotes.

Submissions (7):

CeGaT Center for Human Genetics Tuebingen
Classification: Likely benign. Last evaluated: 2026-05-01. Review status: criteria provided, single submitter. Criteria: CeGaT Center For Human Genetics Tuebingen Variant Classification Criteria Version 2. Collection method: clinical testing. Allele origin: germline. Affected: yes. Observed: 12 variant alleles.
Comment: SZT2: BS2

Labcorp Genetics (formerly Invitae), Labcorp
Classification: Benign. Last evaluated: 2026-01-28. Review status: criteria provided, single submitter. Criteria: Invitae Variant Classification Sherloc (09022015). Collection method: clinical testing. Allele origin: germline.

Blueprint Genetics
Classification: Likely benign. Last evaluated: 2024-11-26. Review status: criteria provided, single submitter. Criteria: ACMG Guidelines, 2015. Collection method: clinical testing. Allele origin: germline.

ARUP Laboratories, Molecular Genetics and Genomics, ARUP Laboratories
Classification: Likely benign for Developmental and epileptic encephalopathy, 18. Last evaluated: 2024-05-01. Review status: criteria provided, single submitter. Criteria: ARUP Molecular Germline Variant Investigation Process 2024. Collection method: clinical testing. Allele origin: germline.

Genome-Nilou Lab
Classification: Likely benign for Developmental and epileptic encephalopathy, 18. Last evaluated: 2023-04-11. Review status: criteria provided, single submitter. Criteria: ACMG Guidelines, 2015. Collection method: clinical testing. Allele origin: germline. Affected: no.

GeneDx
Classification: Likely benign. Last evaluated: 2020-12-22. Review status: criteria provided, single submitter. Criteria: GeneDx Variant Classification Process June 2021. Collection method: clinical testing. Allele origin: germline. Affected: yes.

Ambry Genetics
Classification: Likely benign for Inborn genetic diseases. Last evaluated: 2018-10-12. Review status: criteria provided, single submitter. Criteria: Ambry Variant Classification Scheme 2023. Collection method: clinical testing. Allele origin: germline.